The following is an entry in ClinVar:

ClinVar aggregate classification (germline): Benign (1 of 4 stars; one submission).

Conditions:
DICER1-related tumor predisposition. Also called: DICER1 syndrome; DICER1-related pleuropulmonary blastoma cancer predisposition syndrome. Identifiers: Orphanet 284343, MedGen C3839822, MONDO:0100216.

Submission:

Myriad Genetics, Inc.
Classification: Benign for DICER1-related tumor predisposition. Last evaluated: 2026-08-17. Review status: criteria provided, single submitter. Criteria: Myriad Autosomal Dominant, Autosomal Recessive and X-Linked Classification Criteria (2023). Collection method: clinical testing. Allele origin: unknown.
Comment: This variant is considered benign. This variant is a silent/synonymous amino acid change and it is not expected to impact splicing.

NM_177438.3(DICER1):c.3384C>T (p.Val1128=)

Gene: DICER1 (dicer 1, ribonuclease III; minus strand). Cytogenetic location: 14q32.13.
Variant type: single nucleotide variant.
Coding change: c.3384C>T on transcript NM_177438.3 (MANE Select); coding-DNA position 3384, C replaced by T.
Protein change: p.Val1128=; no amino-acid change (valine 1128 retained).
Molecular consequence: synonymous variant. On other transcripts: non-coding transcript variant (6).
Genome position (GRCh38, 1-based): chr14:95,104,012, G>A on the plus strand (C>T on the coding strand, the complement: DICER1 is on the minus strand). VCF-style: chr14-95104012-G-A. GRCh37 (hg19) VCF-style: chr14-95570349-G-A.
Other names: c.3384C>T, p.Val1128= (NM_001195573.1, NM_001271282.3, NM_001291628.2 and 12 more transcripts); c.3102C>T, p.Val1034= (NM_001395686.1); c.2979C>T, p.Val993= (NM_001395687.1, NM_001395688.1, NM_001395689.1 and 2 more transcripts); c.2817C>T, p.Val939= (NM_001395691.1); c.1701C>T, p.Val567= (NM_001395697.1).
Identifiers: ClinVar variation 5042219 (VCV005042219.1).